The following is an entry in ClinVar:

NM_020699.4(GATAD2B):c.-1-5C>A

Gene: GATAD2B (GATA zinc finger domain containing 2B; minus strand). Cytogenetic location: 1q21.3.
Variant type: single nucleotide variant.
Coding change: c.-1-5C>A on transcript NM_020699.4 (MANE Select); 5 bases into the intron before 1 bases upstream of the start codon, C replaced by A.
Molecular consequence: intron variant.
Genome position (GRCh38, 1-based): chr1:153,828,353, G>T on the plus strand (C>A on the coding strand, the complement: GATAD2B is on the minus strand). VCF-style: chr1-153828353-G-T. GRCh37 (hg19) VCF-style: chr1-153800829-G-T.
Identifiers: ClinVar variation 3054848 (VCV003054848.2), dbSNP rs971535986, ClinGen allele CA30718389.
Genomic context (GRCh38, chr1:153,828,353, plus strand): 5'-CCAAGCTCCGCTTCAACAGATTCAAGCGAAGAGCATCTTCTGTCATTCTATCCATCCTAT[G>T]GAAAGAAAAATACAAGTAAGATCAGAATAAAGTCCCTTAAATAGTCCATTTTTAAAAAGG-3'

ClinVar aggregate classification (germline): Likely benign (0 of 4 stars; one submission).

Conditions:
GATAD2B-related disorder. Also called: GATAD2B-related condition.

Allele frequency attached by ClinVar (database versions not stated): gnomAD exomes 0.00001.
gnomAD v4.1: 20 of 1,600,768 alleles (0.0012%); highest among the groups gnomAD compares: Non-Finnish European, 0.0016%; no homozygotes.

Submission:

PreventionGenetics, part of Exact Sciences
Classification: Likely benign for GATAD2B-related condition. Last evaluated: 2020-04-14. Review status: no assertion criteria provided. Collection method: clinical testing. Allele origin: germline.
Comment: This variant is classified as likely benign based on ACMG/AMP sequence variant interpretation guidelines (Richards et al. 2015 PMID: 25741868, with internal and published modifications).